The following is an entry in ClinVar:

NM_144997.7(FLCN):c.34G>A (p.Glu12Lys)

Gene: FLCN (folliculin; minus strand). Cytogenetic location: 17p11.2.
Variant type: single nucleotide variant.
Coding change: c.34G>A on transcript NM_144997.7 (MANE Select); coding-DNA position 34, G replaced by A.
Protein change: p.Glu12Lys; replaces glutamic acid 12 with lysine.
Molecular consequence: missense variant.
Genome position (GRCh38, 1-based): chr17:17,228,104, C>T on the plus strand (G>A on the coding strand, the complement: FLCN is on the minus strand). VCF-style: chr17-17228104-C-T. GRCh37 (hg19) VCF-style: chr17-17131418-C-T.
Other names: c.34G>A (NM_144997.5); c.34G>A, p.Glu12Lys (NM_001353229.2, NM_001353230.2, NM_001353231.2 and 1 more transcripts); short protein forms E12K.
Identifiers: ClinVar variation 1016827 (VCV001016827.7), dbSNP rs751171641, ClinGen allele CA8416537.

ClinVar aggregate classification (germline): Uncertain significance. Review status: criteria provided, multiple submitters, no conflicts (2 of 4 stars). 2 submissions from 2 submitters: Uncertain significance (2). Last evaluated 2025-05-09.

Conditions:
Hereditary cancer-predisposing syndrome. Also called: Tumor predisposition; Hereditary Cancer Syndrome; Neoplastic Syndromes, Hereditary; Hereditary neoplastic syndrome. Identifiers: Orphanet 140162, MedGen C0027672, MeSH D009386, MONDO:0015356.
Birt-Hogg-Dube syndrome. Also called: Birt Hogg Dubé syndrome. Identifiers: Orphanet 122, MedGen C0346010, MONDO:0800444.

Allele frequency attached by ClinVar (database versions not stated): gnomAD exomes below 0.00001 and 0.00001; TOPMed below 0.00001; ExAC 0.00001.

Submissions (2):

Ambry Genetics
Classification: Uncertain significance for Hereditary cancer-predisposing syndrome. Last evaluated: 2025-05-09. Review status: criteria provided, single submitter. Criteria: Ambry Variant Classification Scheme 2023. Collection method: clinical testing. Allele origin: germline.
Comment: The p.E12K variant (also known as c.34G>A), located in coding exon 1 of the FLCN gene, results from a G to A substitution at nucleotide position 34. The glutamic acid at codon 12 is replaced by lysine, an amino acid with similar properties. This amino acid position is highly conserved in available vertebrate species. In addition, this alteration is predicted to be deleterious by in silico analysis. Since supporting evidence is limited at this time, the clinical significance of this alteration remains unclear.

Labcorp Genetics (formerly Invitae), Labcorp
Classification: Uncertain significance for Birt-Hogg-Dube syndrome. Last evaluated: 2024-02-20. Review status: criteria provided, single submitter. Criteria: Invitae Variant Classification Sherloc (09022015). Collection method: clinical testing. Allele origin: germline.
Comment: This sequence change replaces glutamic acid, which is acidic and polar, with lysine, which is basic and polar, at codon 12 of the FLCN protein (p.Glu12Lys). This variant is present in population databases (rs751171641, gnomAD 0.006%). This variant has not been reported in the literature in individuals affected with FLCN-related conditions. ClinVar contains an entry for this variant (Variation ID: 1016827). Advanced modeling of protein sequence and biophysical properties (such as structural, functional, and spatial information, amino acid conservation, physicochemical variation, residue mobility, and thermodynamic stability) performed at Invitae indicates that this missense variant is expected to disrupt FLCN protein function with a positive predictive value of 80%. In summary, the available evidence is currently insufficient to determine the role of this variant in disease. Therefore, it has been classified as a Variant of Uncertain Significance.